The following is an entry in ClinVar:

ClinVar aggregate classification (germline): Uncertain significance (1 of 4 stars; one submission).

Submission:

Labcorp Genetics (formerly Invitae), Labcorp
Classification: Uncertain significance. Last evaluated: 2022-07-27. Review status: criteria provided, single submitter. Criteria: Invitae Variant Classification Sherloc (09022015). Collection method: clinical testing. Allele origin: germline.
Comment: In summary, the available evidence is currently insufficient to determine the role of this variant in disease. Therefore, it has been classified as a Variant of Uncertain Significance. Algorithms developed to predict the effect of missense changes on protein structure and function are either unavailable or do not agree on the potential impact of this missense change (SIFT: "Deleterious"; PolyPhen-2: "Benign"; Align-GVGD: "Class C15"). This variant has not been reported in the literature in individuals affected with MYH3-related conditions. This variant is not present in population databases (gnomAD no frequency). This sequence change replaces isoleucine, which is neutral and non-polar, with phenylalanine, which is neutral and non-polar, at codon 819 of the MYH3 protein (p.Ile819Phe).

NM_002470.4(MYH3):c.2455A>T (p.Ile819Phe)

Gene: MYH3 (myosin heavy chain 3; minus strand). Cytogenetic location: 17p13.1.
Variant type: single nucleotide variant.
Coding change: c.2455A>T on transcript NM_002470.4 (MANE Select); coding-DNA position 2455, A replaced by T.
Protein change: p.Ile819Phe; replaces isoleucine 819 with phenylalanine.
Molecular consequence: missense variant.
Genome position (GRCh38, 1-based): chr17:10,640,223, T>A on the plus strand (A>T on the coding strand, the complement: MYH3 is on the minus strand). VCF-style: chr17-10640223-T-A. GRCh37 (hg19) VCF-style: chr17-10543540-T-A.
Other names: short protein forms I819F.
Identifiers: ClinVar variation 2098601 (VCV002098601.4), dbSNP rs2074257359, ClinGen allele CA398163294.